The following is an entry in ClinVar:

ClinVar aggregate classification (germline): Benign. Review status: criteria provided, multiple submitters, no conflicts (2 of 4 stars). 2 submissions from 2 submitters: Benign (2). Last evaluated 2026-01-27.

Conditions:
Long QT syndrome (LQTS). Identifiers: MedGen C0023976, MeSH D008133, MONDO:0002442. Disease mechanism: loss of function. Inheritance: Various modes of inheritance.

Allele frequency attached by ClinVar (database versions not stated): 1000 Genomes Project 30x 0.00016; gnomAD 0.00052; TOPMed 0.00055.
gnomAD v4.1: 145 of 1,368,284 alleles (0.011%); highest among the groups gnomAD compares: African/African-American, 0.18%; no homozygotes.

Submissions (2):

Labcorp Genetics (formerly Invitae), Labcorp
Classification: Benign for Long QT syndrome. Last evaluated: 2026-01-27. Review status: criteria provided, single submitter. Criteria: Invitae Variant Classification Sherloc (09022015). Collection method: clinical testing. Allele origin: germline.

GeneDx
Classification: Benign. Last evaluated: 2016-09-19. Review status: criteria provided, single submitter. Criteria: GeneDx Variant Classification (06012015). Collection method: clinical testing. Allele origin: germline. Affected: yes.
Comment: This variant is considered likely benign or benign based on one or more of the following criteria: it is a conservative change, it occurs at a poorly conserved position in the protein, it is predicted to be benign by multiple in silico algorithms, and/or has population frequency not consistent with disease.

NM_000719.7(CACNA1C):c.5680+11C>A

Genes: CACNA1C (calcium voltage-gated channel subunit alpha1 C; plus strand), CACNA1C-AS1 (CACNA1C antisense RNA 1; minus strand). Cytogenetic location: 12p13.33.
Variant type: single nucleotide variant.
Coding change: c.5680+11C>A on transcript NM_000719.7 (MANE Select); 11 bases into the intron after coding-DNA position 5680, C replaced by A.
Molecular consequence: intron variant.
Genome position (GRCh38, 1-based): chr12:2,685,853, C>A. VCF-style: chr12-2685853-C-A. GRCh37 (hg19) VCF-style: chr12-2795019-C-A.
Other names: c.5785+11C>A (NM_001167624.3, NM_001129830.3); c.5680+11C>A (NM_001167623.2, NM_001129840.2, NM_001129842.2 and 2 more transcripts); c.5860+11C>A (NM_001167625.2); c.5929+11C>A (NM_199460.4); c.5824+11C>A (NM_001129827.2); c.5740+11C>A (NM_001129832.2); c.5764+11C>A (NM_001129831.2); c.5737+11C>A (NM_001129833.2, NM_001129834.2, NM_001129835.2); and 6 more.
Identifiers: ClinVar variation 377615 (VCV000377615.9), dbSNP rs66611965, ClinGen allele CA6389926.